The following is an entry in ClinVar:

NM_007294.4(BRCA1):c.4265G>A (p.Gly1422Glu)

Gene: BRCA1 (BRCA1 DNA repair associated; minus strand). Cytogenetic location: 17q21.31.
Variant type: single nucleotide variant.
Coding change: c.4265G>A on transcript NM_007294.4 (MANE Select); coding-DNA position 4265, G replaced by A.
Protein change: p.Gly1422Glu; replaces glycine 1422 with glutamic acid.
Molecular consequence: missense variant. On other transcripts: non-coding transcript variant (1).
Genome position (GRCh38, 1-based): chr17:43,082,496, C>T on the plus strand (G>A on the coding strand, the complement: BRCA1 is on the minus strand). VCF-style: chr17-43082496-C-T. GRCh37 (hg19) VCF-style: chr17-41234513-C-T.
Other names: c.4052G>A, p.Gly1351Glu (NM_001407571.1, NM_001407853.1, NM_001407894.1 and 12 more transcripts); c.4265G>A, p.Gly1422Glu (NM_001407581.1, NM_001407582.1, NM_001407583.1 and 23 more transcripts); c.4262G>A, p.Gly1421Glu (NM_001407587.1, NM_001407590.1, NM_001407591.1 and 21 more transcripts); c.4259G>A, p.Gly1420Glu (NM_001407644.1, NM_001407627.1, NM_001407628.1 and 5 more transcripts); c.4187G>A, p.Gly1396Glu (NM_001407657.1, NM_001407658.1, NM_001407653.1 and 2 more transcripts); c.4181G>A, p.Gly1394Glu (NM_001407659.1, NM_001407660.1); c.4184G>A, p.Gly1395Glu (NM_001407661.1, NM_001407662.1, NM_001407663.1 and 1 more transcripts); c.4142G>A, p.Gly1381Glu (NM_001407664.1, NM_001407665.1, NM_001407677.1 and 13 more transcripts); and 51 more; short protein forms G1422E, G1375E, G319E, G1126E, G1294E, G1332E, G1354E, G1421E.
Identifiers: ClinVar variation 462642 (VCV000462642.20), dbSNP rs747364414, ClinGen allele CA059798.

ClinVar aggregate classification (germline): Uncertain significance. Review status: criteria provided, multiple submitters, no conflicts (2 of 4 stars). 6 submissions from 6 submitters: Uncertain significance (6). Last evaluated 2025-11-05.

Conditions:
Hereditary breast ovarian cancer syndrome. Also called: Hereditary breast and ovarian cancer syndrome (HBOC); BRCA1- and BRCA2-Associated Hereditary Breast and Ovarian Cancer; Hereditary breast and/or ovarian cancer syndrome; Hereditary breast and ovarian cancer syndrome; Hereditary breast and ovarian cancer; Breast and ovarian cancer. Identifiers: Orphanet 145, MedGen C0677776, MeSH D061325, MONDO:0003582. Disease mechanism: loss of function.
Hereditary cancer-predisposing syndrome. Also called: Neoplastic Syndromes, Hereditary; Hereditary neoplastic syndrome; Tumor predisposition; Hereditary Cancer Syndrome. Identifiers: Orphanet 140162, MedGen C0027672, MeSH D009386, MONDO:0015356.
BRCA1-related cancer predisposition. Identifiers: MedGen CN377757, MONDO:0700268.
Breast-ovarian cancer, familial, susceptibility to, 1 (BROVCA1). Also called: BRCA1 Hereditary Breast and Ovarian Cancer; OVARIAN CANCER, SUSCEPTIBILITY TO. Identifiers: Orphanet 145, MedGen C2676676, MONDO:0011450, OMIM 604370. Disease mechanism: loss of function.

Allele frequency attached by ClinVar (database versions not stated): gnomAD exomes below 0.00001 and 0.00001; ExAC 0.00001; gnomAD 0.00001.
gnomAD v4.1: 12 of 1,613,988 alleles (0.00074%); highest among the groups gnomAD compares: South Asian, 0.0022%; no homozygotes.

Submissions (6):

Labcorp Genetics (formerly Invitae), Labcorp
Classification: Uncertain significance for Hereditary breast ovarian cancer syndrome. Last evaluated: 2025-11-05. Review status: criteria provided, single submitter. Criteria: Invitae Variant Classification Sherloc (09022015). Collection method: clinical testing. Allele origin: germline.
Comment: This sequence change replaces glycine, which is neutral and non-polar, with glutamic acid, which is acidic and polar, at codon 1422 of the BRCA1 protein (p.Gly1422Glu). This variant is present in population databases (rs747364414, gnomAD 0.003%). This missense change has been observed in individual(s) with breast cancer and ovarian cancer (PMID: 21232165, 26689913, 31265121). ClinVar contains an entry for this variant (Variation ID: 462642). Invitae Evidence Modeling of protein sequence and biophysical properties (such as structural, functional, and spatial information, amino acid conservation, physicochemical variation, residue mobility, and thermodynamic stability) indicates that this missense variant is not expected to disrupt BRCA1 protein function with a negative predictive value of 80%. In summary, the available evidence is currently insufficient to determine the role of this variant in disease. Therefore, it has been classified as a Variant of Uncertain Significance.

All of Us Research Program, National Institutes of Health
Classification: Uncertain significance for BRCA1-related cancer predisposition. Last evaluated: 2024-04-16. Review status: criteria provided, single submitter. Criteria: ACMG Guidelines, 2015. Collection method: clinical testing. Allele origin: germline. Inheritance: Autosomal dominant inheritance. Observed: 1 variant allele, 1 heterozygote.
Comment: This missense variant replaces glycine with glutamic acid at codon 1422 of the BRCA1 protein. Computational prediction suggests that this variant may not impact protein structure and function. To our knowledge, functional studies have not been reported for this variant. This variant has been reported in two individuals affected with ovarian cancer (PMID: 26689913, 31265121) and in a suspected hereditary breast and ovarian cancer family (PMID: 21232165). However, a multifactorial analysis also has reported a likelihood ratio (LR) for pathogenicity based on personal and family history with log(LR) = -0.3876413405, suggesting that this variant is not disease-causing (PMID: 31853058). This variant has been identified in 1/251442 chromosomes in the general population by the Genome Aggregation Database (gnomAD). The available evidence is insufficient to determine the role of this variant in disease conclusively. Therefore, this variant is classified as a Variant of Uncertain Significance.

This study involves interpretation of variants in research participants for the purpose of population health screening. Participant phenotype was not available at the time of variant classification. Additional details can be found in publication PMID: 35346344, PMCID: PMC8962531

Color Diagnostics, LLC DBA Color Health
Classification: Uncertain significance for Hereditary cancer-predisposing syndrome. Last evaluated: 2024-03-29. Review status: criteria provided, single submitter. Criteria: ACMG Guidelines, 2015. Collection method: clinical testing. Allele origin: germline.
Comment: This missense variant replaces glycine with glutamic acid at codon 1422 of the BRCA1 protein. Computational prediction suggests that this variant may not impact protein structure and function. To our knowledge, functional studies have not been reported for this variant. This variant has been reported in two individuals affected with ovarian cancer (PMID: 26689913, 31265121) and in a suspected hereditary breast and ovarian cancer family (PMID: 21232165). However, a multifactorial analysis also has reported a likelihood ratio (LR) for pathogenicity based on personal and family history with log(LR) = -0.3876413405, suggesting that this variant is not disease-causing (PMID: 31853058). This variant has been identified in 1/251442 chromosomes in the general population by the Genome Aggregation Database (gnomAD). The available evidence is insufficient to determine the role of this variant in disease conclusively. Therefore, this variant is classified as a Variant of Uncertain Significance.

Ambry Genetics
Classification: Uncertain significance for Hereditary cancer-predisposing syndrome. Last evaluated: 2024-01-03. Review status: criteria provided, single submitter. Criteria: Ambry Variant Classification Scheme 2023. Collection method: clinical testing. Allele origin: germline.
Comment: The p.G1422E variant (also known as c.4265G>A), located in coding exon 11 of the BRCA1 gene, results from a G to A substitution at nucleotide position 4265. The glycine at codon 1422 is replaced by glutamic acid, an amino acid with similar properties. This alteration has been reported in 1/208 alleles of Slovenian individuals from cancer families with breast and/or ovarian cancer, and was not seen in any of the 80 control alleles (Stegel V et al. BMC Med. Genet. 2011 Jan;12:9). This amino acid position is well conserved in available vertebrate species. In addition, this alteration is predicted to be tolerated by in silico analysis.Since supporting evidence is limited at this time, the clinical significance of this alteration remains unclear.

Baylor Genetics
Classification: Uncertain significance for Breast-ovarian cancer, familial, susceptibility to, 1. Last evaluated: 2023-11-26. Review status: criteria provided, single submitter. Criteria: ACMG Guidelines, 2015. Collection method: clinical testing. Allele origin: unknown.

GeneDx
Classification: Uncertain significance. Last evaluated: 2022-12-02. Review status: criteria provided, single submitter. Criteria: GeneDx Variant Classification Process June 2021. Collection method: clinical testing. Allele origin: germline. Affected: yes.
Comment: Published functional studies demonstrate homology-directed repair activity similar to wild type (Lu et al., 2015); Identified in an individual with ovarian cancer as well as an individual from a family with breast/ovarian cancer (Lu et al., 2015; Stegel et al., 2011); In silico analysis supports that this missense variant has a deleterious effect on protein structure/function; Not observed at significant frequency in large population cohorts (gnomAD); Also known as 4384G>A; This variant is associated with the following publications: (PMID: 21232165, 33503190, 19369211, 15343273, 22737296, 32377563, 26689913, 29884841)

Literature cited by the submitters: PubMed 21232165 (cited by 4 submitters); PubMed 26689913 (cited by 3 submitters); PubMed 31265121 (cited by 3 submitters); PubMed 31853058 (cited by All of Us Research Program, National Institutes of Health and Color Diagnostics, LLC DBA Color Health).